The following is an entry in ClinVar:

ClinVar aggregate classification (germline): Conflicting classifications of pathogenicity. Review status: criteria provided, conflicting classifications (1 of 4 stars). 6 submissions from 6 submitters: Pathogenic (1); Likely pathogenic (4); Uncertain significance (1). Last evaluated 2026-05-01.

Conditions:
Usher syndrome. Also called: Usher Syndromes; Usher's syndrome. Identifiers: Orphanet 886, MedGen CN469326, MeSH D052245, MONDO:0019501. Disease mechanism: loss of function.
Retinitis pigmentosa 39 (RP39). Identifiers: Orphanet 791, MedGen C3151138, MONDO:0013436, OMIM 613809.
USH2A-related disorder. Also called: USH2A-related disorders; USH2A-related condition. Identifiers: MedGen CN239332.

Allele frequency attached by ClinVar (database versions not stated): gnomAD exomes below 0.00001 and 0.00002; TOPMed below 0.00001; gnomAD 0.00001; ExAC 0.00002; 1000 Genomes Project 30x 0.00016; 1000 Genomes Project 0.00020.
gnomAD v4.1: 4 of 1,613,668 alleles (0.00025%); highest among the groups gnomAD compares: East Asian, 0.0089%; no homozygotes.

Submissions (6):

Women's Health and Genetics/Laboratory Corporation of America, LabCorp
Classification: Likely pathogenic for Usher syndrome. Last evaluated: 2026-05-01. Review status: criteria provided, single submitter. Criteria: LabCorp Variant Classification Summary - May 2015. Collection method: clinical testing. Allele origin: germline.
Comment: Variant summary: USH2A c.6986C>A (p.Pro2329His) results in a non-conservative amino acid change in the encoded protein sequence. Algorithms developed to predict the effect of missense changes on protein structure and function all suggest that this variant is likely to be disruptive. The variant allele was found at a frequency of 1.6e-05 in 251006 control chromosomes. c.6986C>A has been observed in individuals affected with inherited retinal dystrophies (e.g. Liu_2020, Ma_2021, Zhu_2021, Li_2023, Stephenson_2025). These data indicate that the variant is likely to be associated with disease. To our knowledge, no experimental evidence demonstrating an impact on protein function has been reported. The following publications have been ascertained in the context of this evaluation (PMID: 36729443, 33090715, 32090030, 33691693, 40607868, 32675063). ClinVar contains an entry for this variant (Variation ID: 1473440). Based on the evidence outlined above, the variant was classified as likely pathogenic.

Labcorp Genetics (formerly Invitae), Labcorp
Classification: Pathogenic. Last evaluated: 2025-04-08. Review status: criteria provided, single submitter. Criteria: Invitae Variant Classification Sherloc (09022015). Collection method: clinical testing. Allele origin: germline.
Comment: This sequence change replaces proline, which is neutral and non-polar, with histidine, which is basic and polar, at codon 2329 of the USH2A protein (p.Pro2329His). This variant is present in population databases (rs554957414, gnomAD 0.02%). This missense change has been observed in individuals with retinitis pigmentosa (PMID: 32090030, 32675063, 33691693, 36729443). ClinVar contains an entry for this variant (Variation ID: 1473440). Invitae Evidence Modeling of protein sequence and biophysical properties (such as structural, functional, and spatial information, amino acid conservation, physicochemical variation, residue mobility, and thermodynamic stability) indicates that this missense variant is expected to disrupt USH2A protein function with a positive predictive value of 95%. For these reasons, this variant has been classified as Pathogenic.

Myriad Genetics, Inc.
Classification: Likely pathogenic for USH2A-related disorder. Last evaluated: 2025-03-11. Review status: criteria provided, single submitter. Criteria: Myriad Autosomal Dominant, Autosomal Recessive and X-Linked Classification Criteria (2023). Collection method: clinical testing. Allele origin: unknown.
Comment: NM_206933.2(USH2A):c.6986C>A(P2329H) is a missense variant classified as likely pathogenic in the context of USH2A-related disorders. P2329H has been observed in cases with relevant disease (PMID: 33090715, 32675063, 33691693, 36729443, 36110214). Relevant functional assessments of this variant are not available in the literature. P2329H has been observed in referenced population frequency databases. In summary, NM_206933.2(USH2A):c.6986C>A(P2329H) is a missense variant that has been observed more frequently in cases with the relevant disease than in healthy populations. Please note: this variant was assessed in the context of healthy population screening.

GeneDx
Classification: Likely pathogenic. Last evaluated: 2024-04-24. Review status: criteria provided, single submitter. Criteria: GeneDx Variant Classification Process June 2021. Collection method: clinical testing. Allele origin: germline. Affected: yes.
Comment: In silico analysis supports that this missense variant has a deleterious effect on protein structure/function; This variant is associated with the following publications: (PMID: 32090030, 33090715, 32675063, 33691693, 36729443)

Blueprint Genetics
Classification: Uncertain significance. Last evaluated: 2020-09-24. Review status: criteria provided, single submitter. Criteria: ACMG Guidelines, 2015. Collection method: clinical testing. Allele origin: germline.

Juno Genomics, Hangzhou Juno Genomics, Inc
Classification: Likely pathogenic for Retinitis pigmentosa 39. Review status: criteria provided, single submitter. Criteria: ACMG Guidelines, 2015. Collection method: clinical testing. Allele origin: germline.
Comment: Absent from controls (or at extremely low frequency if recessive) in Genome Aggregation Database.;Multiple lines of computational evidence support a deleterious effect on the gene or gene product.;For recessive disorders, detected in trans with a pathogenic variant.;Patient's phenotype or family history is highly specific for a disease with a single genetic etiology.

Literature cited by the submitters: PubMed 32675063 (cited by 3 submitters); PubMed 33090715 (cited by Women's Health and Genetics/Laboratory Corporation of America, LabCorp and Myriad Genetics, Inc.); PubMed 32090030 (cited by Women's Health and Genetics/Laboratory Corporation of America, LabCorp and Labcorp Genetics (formerly Invitae), Labcorp); PubMed 33691693 (cited by 3 submitters); PubMed 36729443 (cited by 3 submitters); PubMed 40607868 (cited by Women's Health and Genetics/Laboratory Corporation of America, LabCorp); PubMed 36110214 (cited by Myriad Genetics, Inc.).

NM_206933.4(USH2A):c.6986C>A (p.Pro2329His)

Gene: USH2A (usherin; minus strand). Cytogenetic location: 1q41.
Variant type: single nucleotide variant.
Coding change: c.6986C>A on transcript NM_206933.4 (MANE Select); coding-DNA position 6986, C replaced by A.
Protein change: p.Pro2329His; replaces proline 2329 with histidine.
Molecular consequence: missense variant.
Genome position (GRCh38, 1-based): chr1:215,965,451, G>T on the plus strand (C>A on the coding strand, the complement: USH2A is on the minus strand). VCF-style: chr1-215965451-G-T. GRCh37 (hg19) VCF-style: chr1-216138793-G-T.
Other names: c.6986C>A (NM_206933.2); short protein forms P2329H.
Identifiers: ClinVar variation 1473440 (VCV001473440.16), dbSNP rs554957414, ClinGen allele CA1394975.
Genomic context (GRCh38, chr1:215,965,451, plus strand): 5'-CACCTCACGTGGGCTTTCCGGGATCCCTGTGTTTTGACAAACACATTTACTGTTCCTTCA[G>T]GAGGAGCTTCTAGAGTTCGATTTTCCACCTGTGAGTATAAAAAGATTTATTTTTGTTTGC-3'
Protein context (NP_996816.3, residues 2319-2339): LVENRTLEAP[Pro2329His]EGTVNVFVKT